The following is an entry in ClinVar:

ClinVar aggregate classification (germline): Uncertain significance (1 of 4 stars; one submission).

Conditions:
X-linked immunodeficiency with magnesium defect, Epstein-Barr virus infection and neoplasia. Identifiers: Orphanet 317476, MedGen C3275445, MONDO:0010455, OMIM 300853.

Allele frequency attached by ClinVar (database versions not stated): gnomAD exomes 0.00001.

Submission:

Labcorp Genetics (formerly Invitae), Labcorp
Classification: Uncertain significance for X-linked immunodeficiency with magnesium defect, Epstein-Barr virus infection and neoplasia. Last evaluated: 2024-07-15. Review status: criteria provided, single submitter. Criteria: Invitae Variant Classification Sherloc (09022015). Collection method: clinical testing. Allele origin: germline.
Comment: This sequence change replaces arginine, which is basic and polar, with histidine, which is basic and polar, at codon 94 of the MAGT1 protein (p.Arg94His). This variant is present in population databases (no rsID available, gnomAD 0.008%). This variant has not been reported in the literature in individuals affected with MAGT1-related conditions. ClinVar contains an entry for this variant (Variation ID: 2194922). Advanced modeling of protein sequence and biophysical properties (such as structural, functional, and spatial information, amino acid conservation, physicochemical variation, residue mobility, and thermodynamic stability) performed at Invitae indicates that this missense variant is not expected to disrupt MAGT1 protein function with a negative predictive value of 80%. In summary, the available evidence is currently insufficient to determine the role of this variant in disease. Therefore, it has been classified as a Variant of Uncertain Significance.

NM_001367916.1(MAGT1):c.185G>A (p.Arg62His)

Gene: MAGT1 (magnesium transporter 1; minus strand). Cytogenetic location: Xq21.1.
Variant type: single nucleotide variant.
Coding change: c.185G>A on transcript NM_001367916.1 (MANE Select); coding-DNA position 185, G replaced by A.
Protein change: p.Arg62His; replaces arginine 62 with histidine.
Molecular consequence: missense variant.
Genome position (GRCh38, 1-based): chrX:77,875,515, C>T on the plus strand (G>A on the coding strand, the complement: MAGT1 is on the minus strand). VCF-style: chrX-77875515-C-T. GRCh37 (hg19) VCF-style: chrX-77131012-C-T.
Other names: c.281G>A, p.Arg94His (NM_032121.5); short protein forms R62H, R94H.
Identifiers: ClinVar variation 2194922 (VCV002194922.4), dbSNP rs1557217716, ClinGen allele CA413712031.
Genomic context (GRCh38, chrX:77,875,515, plus strand): 5'-TGGAGAGCAGTGAACATGACGATAACGGAGTAATTTCTCGGTGGGGCTTTCACAAGGCGA[C>T]GGAACTTGTCTCCATTCATTCTTATTACAGGTCTTTTGTTAGTCCATTCCATCAGCTGAC-3'
Protein context (NP_001354845.1, residues 52-72): PVIRMNGDKF[Arg62His]RLVKAPPRNY